The following is an entry in ClinVar:

NM_006949.4(STXBP2):c.577A>C (p.Lys193Gln)

Gene: STXBP2 (syntaxin binding protein 2; plus strand). Cytogenetic location: 19p13.2.
Variant type: single nucleotide variant.
Coding change: c.577A>C on transcript NM_006949.4 (MANE Select); coding-DNA position 577, A replaced by C.
Protein change: p.Lys193Gln; replaces lysine 193 with glutamine.
Molecular consequence: missense variant. On other transcripts: non-coding transcript variant (1).
Genome position (GRCh38, 1-based): chr19:7,641,852, A>C. VCF-style: chr19-7641852-A-C. GRCh37 (hg19) VCF-style: chr19-7706738-A-C.
Other names: c.568A>C, p.Lys190Gln (NM_001127396.3); c.610A>C, p.Lys204Gln (NM_001272034.2); short protein forms K190Q, K193Q, K204Q.
Identifiers: ClinVar variation 1303272 (VCV001303272.4), dbSNP rs752534004, ClinGen allele CA9143688.

ClinVar aggregate classification (germline): Uncertain significance. Review status: criteria provided, multiple submitters, no conflicts (2 of 4 stars). 2 submissions from 2 submitters: Uncertain significance (2). Last evaluated 2024-07-03.

Conditions:
Familial hemophagocytic lymphohistiocytosis 5. Also called: STXBP2-Related Familial Hemophagocytic Lymphohistiocytosis (STXBP2-fHLH). Identifiers: Orphanet 540, MedGen C2751293, MONDO:0013135, OMIM 613101.

Allele frequency attached by ClinVar (database versions not stated): gnomAD exomes 0.00001.
gnomAD v4.1: 11 of 1,556,462 alleles (0.00071%); highest among the groups gnomAD compares: East Asian, 0.0024%; no homozygotes.

Submissions (2):

Labcorp Genetics (formerly Invitae), Labcorp
Classification: Uncertain significance for Familial hemophagocytic lymphohistiocytosis 5. Last evaluated: 2024-07-03. Review status: criteria provided, single submitter. Criteria: Invitae Variant Classification Sherloc (09022015). Collection method: clinical testing. Allele origin: germline.
Comment: This sequence change replaces lysine, which is basic and polar, with glutamine, which is neutral and polar, at codon 193 of the STXBP2 protein (p.Lys193Gln). This variant is present in population databases (rs752534004, gnomAD 0.009%). This missense change has been observed in individual(s) with hemophagocytic lymphohistiocytosis (PMID: 26451869). ClinVar contains an entry for this variant (Variation ID: 1303272). An algorithm developed to predict the effect of missense changes on protein structure and function (PolyPhen-2) suggests that this variant is likely to be disruptive. Algorithms developed to predict the effect of sequence changes on RNA splicing suggest that this variant may disrupt the consensus splice site. In summary, the available evidence is currently insufficient to determine the role of this variant in disease. Therefore, it has been classified as a Variant of Uncertain Significance.

GeneDx
Classification: Uncertain significance. Last evaluated: 2020-02-19. Review status: criteria provided, single submitter. Criteria: GeneDx Variant Classification Process June 2021. Collection method: clinical testing. Allele origin: germline. Affected: yes.
Comment: Published functional studies suggest a damaging effect with incomplete splicing with exon 7 skipping (Seo et al., 2016); In silico analysis supports that this missense variant does not alter protein structure/function; Observed with the p.N62D variant in a patient with hemophagocytic lymphohistiocytosis in published literature, but it is not known whether the variants occurred on the same (in cis) or on different (in trans) chromosomes as parental segregation information was not included (Seo et al., 2016); This variant is associated with the following publications: (PMID: 31865540, 26451869)

Literature cited by the submitters: PubMed 26451869 (cited by Labcorp Genetics (formerly Invitae), Labcorp).